The following is an entry in ClinVar:

ClinVar aggregate classification (germline): Uncertain significance (1 of 4 stars; one submission).

Conditions:
Inborn genetic diseases. Identifiers: MedGen C0950123, MeSH D030342.

Submission:

Ambry Genetics
Classification: Uncertain significance for Inborn genetic diseases. Last evaluated: 2024-07-14. Review status: criteria provided, single submitter. Criteria: Ambry Variant Classification Scheme 2023. Collection method: clinical testing. Allele origin: germline.
Comment: The p.M108V variant (also known as c.322A>G), located in coding exon 4 of the MDH2 gene, results from an A to G substitution at nucleotide position 322. The methionine at codon 108 is replaced by valine, an amino acid with highly similar properties. This amino acid position is conserved. In addition, this alteration is predicted to be deleterious by in silico analysis. Based on the available evidence, the clinical significance of this variant remains unclear.

NM_005918.4(MDH2):c.322A>G (p.Met108Val)

Gene: MDH2 (malate dehydrogenase 2; plus strand). Cytogenetic location: 7q11.23.
Variant type: single nucleotide variant.
Coding change: c.322A>G on transcript NM_005918.4 (MANE Select); coding-DNA position 322, A replaced by G.
Protein change: p.Met108Val; replaces methionine 108 with valine.
Molecular consequence: missense variant. On other transcripts: initiator codon variant (1).
Genome position (GRCh38, 1-based): chr7:76,057,971, A>G. VCF-style: chr7-76057971-A-G. GRCh37 (hg19) VCF-style: chr7-75687289-A-G.
Other names: c.322A>G, p.Met108Val (NM_001282403.2); c.1A>G, p.Met1Val (NM_001282404.2); short protein forms M108V, M1V.
Identifiers: ClinVar variation 3394060 (VCV003394060.1).